The following is an entry in ClinVar:

NM_002907.4(RECQL):c.560T>C (p.Ile187Thr)

Gene: RECQL (RecQ like helicase; minus strand). Cytogenetic location: 12p12.1.
Variant type: single nucleotide variant.
Coding change: c.560T>C on transcript NM_002907.4 (MANE Select); coding-DNA position 560, T replaced by C.
Protein change: p.Ile187Thr; replaces isoleucine 187 with threonine.
Molecular consequence: missense variant.
Genome position (GRCh38, 1-based): chr12:21,483,516, A>G on the plus strand (T>C on the coding strand, the complement: RECQL is on the minus strand). VCF-style: chr12-21483516-A-G. GRCh37 (hg19) VCF-style: chr12-21636450-A-G.
Other names: c.560T>C, p.Ile187Thr (NM_032941.3); short protein forms I187T.
Identifiers: ClinVar variation 3666711 (VCV003666711.2).

ClinVar aggregate classification (germline): Uncertain significance (1 of 4 stars; one submission).

Submission:

Labcorp Genetics (formerly Invitae), Labcorp
Classification: Uncertain significance. Last evaluated: 2024-10-28. Review status: criteria provided, single submitter. Criteria: Invitae Variant Classification Sherloc (09022015). Collection method: clinical testing. Allele origin: germline.
Comment: This sequence change replaces isoleucine, which is neutral and non-polar, with threonine, which is neutral and polar, at codon 187 of the RECQL protein (p.Ile187Thr). This variant is not present in population databases (gnomAD no frequency). This variant has not been reported in the literature in individuals affected with RECQL-related conditions. Invitae Evidence Modeling of protein sequence and biophysical properties (such as structural, functional, and spatial information, amino acid conservation, physicochemical variation, residue mobility, and thermodynamic stability) indicates that this missense variant is not expected to disrupt RECQL protein function with a negative predictive value of 80%. In summary, the available evidence is currently insufficient to determine the role of this variant in disease. Therefore, it has been classified as a Variant of Uncertain Significance.